The following is an entry in ClinVar:

NM_001009944.3(PKD1):c.8982C>T (p.Asn2994=)

Gene: PKD1 (polycystin 1, transient receptor potential channel interacting; minus strand). Cytogenetic location: 16p13.3.
Variant type: single nucleotide variant.
Coding change: c.8982C>T on transcript NM_001009944.3 (MANE Select); coding-DNA position 8982, C replaced by T.
Protein change: p.Asn2994=; no amino-acid change (asparagine 2994 retained).
Molecular consequence: synonymous variant.
Genome position (GRCh38, 1-based): chr16:2,102,600, G>A on the plus strand (C>T on the coding strand, the complement: PKD1 is on the minus strand). VCF-style: chr16-2102600-G-A. GRCh37 (hg19) VCF-style: chr16-2152601-G-A.
Other names: c.8982C>T, p.Asn2994= (NM_000296.4).
Identifiers: ClinVar variation 3780323 (VCV003780323.2).

ClinVar aggregate classification (germline): Likely benign. Review status: criteria provided, multiple submitters, no conflicts (2 of 4 stars). 2 submissions from 2 submitters: Likely benign (2). Last evaluated 2025-07-29.

Conditions:
Polycystic kidney disease, adult type (PKD1). Also called: Polycystic Kidney Disease 1, Autosomal Dominant; Polycystic kidney disease 1; Polycystic kidney disease 1, severe; POLYCYSTIC KIDNEY DISEASE 1 WITH OR WITHOUT POLYCYSTIC LIVER DISEASE; Polycystic Kidney, Autosomal Dominant; POLYCYSTIC KIDNEY DISEASE, ADULT, TYPE I. Identifiers: MedGen C3149841, MONDO:0008263, OMIM 173900.
PKD1-related disorder. Also called: PKD1-related condition.

gnomAD v4.1: 114 of 1,611,240 alleles (0.0071%); highest among the groups gnomAD compares: South Asian, 0.11%; no homozygotes.

Submissions (2):

PreventionGenetics, part of Exact Sciences
Classification: Likely benign for PKD1-related condition. Last evaluated: 2025-07-29. Review status: criteria provided, single submitter. Criteria: ACMG Guidelines, 2015. Collection method: clinical testing. Allele origin: germline.
Comment: This variant is classified as likely benign based on ACMG/AMP sequence variant interpretation guidelines (Richards et al. 2015 PMID: 25741868, with internal and published modifications).

Department of Pathology and Laboratory Medicine, Sinai Health System
Classification: Likely benign for Polycystic kidney disease, adult type. Last evaluated: 2023-12-29. Review status: criteria provided, single submitter. Criteria: ACMG Guidelines, 2015. Collection method: clinical testing. Allele origin: germline. Affected: yes.